The following is an entry in ClinVar:

NM_000051.4(ATM):c.8418+7G>A

Genes: ATM (ATM serine/threonine kinase; plus strand), C11orf65 (chromosome 11 open reading frame 65; minus strand). Cytogenetic location: 11q22.3.
Variant type: single nucleotide variant.
Coding change: c.8418+7G>A on transcript NM_000051.4 (MANE Select); 7 bases into the intron after coding-DNA position 8418, G replaced by A.
Molecular consequence: intron variant.
Genome position (GRCh38, 1-based): chr11:108,343,378, G>A. VCF-style: chr11-108343378-G-A. GRCh37 (hg19) VCF-style: chr11-108214105-G-A.
Other names: c.8418+7G>A (NM_001351834.2); c.641-34307C>T (NM_001330368.2); c.695-8086C>T (NM_001351110.2).
Identifiers: ClinVar variation 1159557 (VCV001159557.10), dbSNP rs2136954579, ClinGen allele CA2499220729.

ClinVar aggregate classification (germline): Likely benign. Review status: criteria provided, multiple submitters, no conflicts (2 of 4 stars). 2 submissions from 2 submitters: Likely benign (2). Last evaluated 2025-05-04.

Conditions:
Familial cancer of breast. Also called: Hereditary breast cancer; hereditary breast carcinoma; BREAST CANCER, FAMILIAL. Identifiers: Orphanet 227535, MedGen C0346153, MONDO:0016419, OMIM 114480. Disease mechanism: loss of function.
Ataxia-telangiectasia syndrome (AT). Also called: Ataxia telangiectasia (A-T); ATAXIA-TELANGIECTASIA, COMPLEMENTATION GROUP A; ATAXIA-TELANGIECTASIA, FRESNO VARIANT; Ataxia-telangiectasia; Ataxia-telangiectasia, complementation group E; LOUIS-BAR SYNDROME. Identifiers: Orphanet 100, MedGen C0004135, MONDO:0008840, OMIM 208900.

Allele frequency attached by ClinVar (database versions not stated): gnomAD exomes below 0.00001.
gnomAD v4.1: 2 of 1,613,682 alleles (0.00012%); highest among the groups gnomAD compares: Non-Finnish European, 0.00017%; no homozygotes.

Submissions (2):

Labcorp Genetics (formerly Invitae), Labcorp
Classification: Likely benign for Ataxia-telangiectasia syndrome. Last evaluated: 2025-05-04. Review status: criteria provided, single submitter. Criteria: Invitae Variant Classification Sherloc (09022015). Collection method: clinical testing. Allele origin: germline.

Myriad Genetics, Inc.
Classification: Likely benign for Familial cancer of breast. Last evaluated: 2024-06-19. Review status: criteria provided, single submitter. Criteria: Myriad Autosomal Dominant, Autosomal Recessive and X-Linked Classification Criteria (2023). Collection method: clinical testing. Allele origin: unknown.
Comment: This variant is considered likely benign. This variant is intronic and is not expected to impact mRNA splicing.